The following continues an entry in ClinVar:

NM_000455.5(STK11):c.1062C>G (p.Phe354Leu)

ClinVar aggregate classification (germline): Benign/Likely benign. Benign (17); Likely benign (4).

Submissions 24 to 37 of 37:

Counsyl
Classification: Benign for Peutz-Jeghers syndrome. Last evaluated: 2016-03-28. Review status: no assertion criteria provided. Collection method: clinical testing. Allele origin: unknown. Not counted in ClinVar's aggregate classification.

ITMI
No classification provided. Condition: AllHighlyPenetrant. Last evaluated: 2013-09-19. Review status: no classification provided. Collection method: reference population. Allele origin: germline. Not counted in ClinVar's aggregate classification.
Comment: Please see associated publication for description of ethnicities

Clinical Genetics DNA and cytogenetics Diagnostics Lab, Erasmus MC, Erasmus Medical Center
Classification: Benign. Review status: no assertion criteria provided. Collection method: clinical testing. Allele origin: germline. Affected: yes. Study: VKGL Data-share Consensus. Not counted in ClinVar's aggregate classification.

Clinical Genetics, Academic Medical Center
Classification: Benign. Review status: no assertion criteria provided. Collection method: clinical testing. Allele origin: germline. Affected: yes. Study: VKGL Data-share Consensus. Not counted in ClinVar's aggregate classification.

Department of Pathology and Laboratory Medicine, Sinai Health System
Classification: Benign for Malignant tumor of breast. Review status: no assertion criteria provided. Collection method: clinical testing. Allele origin: unknown. Affected: yes. Study: The Canadian Open Genetics Repository (COGR). Not counted in ClinVar's aggregate classification.
Comment: The STK11 p.Phe354Leu variant was identified in 20 of 1472 proband chromosomes (frequency: 0.014) from Korean, Japanese, Chinese and American individuals or families with Peutz-Jeghers disease, and Finnish, Korean, (French) Canadian, Portuguese, Italian, American individuals with CRC, high risk breast cancer, hereditary diffuse gastric cancer, pancreatic cancer, and medullary thyroid cancer; and was identified in 5 of 824 control chromosomes (frequency: 0.006) from healthy individuals (Yang 2010, Yajima 2013, Liu 2012, Huang 2015, Amos 2003, Launonen 2000, Guenard 2010, Hansford 2015, Jordan 2016, Simbolo 2014 ). Segregation of the variant with disease was not seen in 2 healthy family members of the PJ affected proband (Liu 2012), or an affected (breast cancer) family member of another proband (Guenard 2010). In another study, the variant was identified in 2 Chinese patients with sporadic PJS, co-occurring with separate pathogenic STK11 mutations (del(exon1) and c.890G > A) (Tan 2017). Functional assays of the STK11 exons 8 and 9, localized to the C-terminal non-catalytic region, have shown that mutations within this region neither disrupt STK11 activity nor interfere with STK11 induced growth arrest, but do lessen STK11-mediated activation of the AMP-activated protein kinase (AMPK) and downstream signaling (Forcet 2005). The variant was also identified in dbSNP (ID: rs59912467) â€šÃ„ÃºWith Likely benign, other alleleâ€šÃ„Ã¹, Clinvar (classified as conflicting interpretations of pathogenicity: benign by GeneDx, Invitae, Ambry Genetics, Prevention Genetics, Counsyl, Laboratory for Molecular Medicine (Partners for HealthCare Personalized Medicine), Vantari Genetics, Color Genomics Inc; likely benign by Illumina; uncertain significance by Foundation Medicine Inc, OMIM, Pathway Genomics; and unclassified by ITMI), Clinvitae (4X), Cosmic 41X in tumours of the brain, breast, lung, large intestine, salivary gland and malignant melanoma), LOVD 3.0 (3X), Zhejiang Colon Cancer database (11X, all in combination with other multiple STK11 variants, including pathogenic variants: c.842delC, p.Pro281ArgfsX6/c.996G>A, p.Trp332X/c.465-1G>T); and was not identified in the Insight Hereditary Tumors Database. The variant was identified in control databases in 1363 (17 homozygous) of 273698 chromosomes at a frequency of 0.005 increasing the likelihood this could be a low frequency benign variant (Genome Aggregation Consortium Feb 27, 2017), being identified in the following population at a frequency greater than 1%: East Asian in 658 (15 homozygous) of 18796 chromosomes (freq: 0.035). The p.Phe354 residue is conserved in in mammals but not in more distantly related organisms however computational analyses (PolyPhen-2, SIFT, AlignGVGD, BLOSUM, MutationTaster) do not suggest a high likelihood of impact to the protein; this information is not predictive enough to rule out pathogenicity. The variant occurs outside of the splicing consensus sequence and in silico or computational prediction software programs (SpliceSiteFinder, MaxEntScan, NNSPLICE, GeneSplicer, HumanSpliceFinder) do not predict a difference in splicing. In summary, based on the above information this variant meets our laboratory's criteria to be classified as benign

Diagnostic Laboratory, Department of Genetics, University Medical Center Groningen
Classification: Benign. Review status: no assertion criteria provided. Collection method: clinical testing. Allele origin: germline. Affected: yes. Study: VKGL Data-share Consensus. Not counted in ClinVar's aggregate classification.

Genome Diagnostics Laboratory, Amsterdam University Medical Center
Classification: Benign. Review status: no assertion criteria provided. Collection method: clinical testing. Allele origin: germline. Affected: yes. Study: VKGL Data-share Consensus. Not counted in ClinVar's aggregate classification.

Genome Diagnostics Laboratory, University Medical Center Utrecht
Classification: Benign. Review status: no assertion criteria provided. Collection method: clinical testing. Allele origin: germline. Affected: yes. Study: VKGL Data-share Consensus. Not counted in ClinVar's aggregate classification.

Joint Genome Diagnostic Labs from Nijmegen and Maastricht, Radboudumc and MUMC+
Classification: Benign. Review status: no assertion criteria provided. Collection method: clinical testing. Allele origin: germline. Affected: yes. Study: VKGL Data-share Consensus. Not counted in ClinVar's aggregate classification.

Laboratory of Diagnostic Genome Analysis, Leiden University Medical Center (LUMC)
Classification: Likely benign. Review status: no assertion criteria provided. Collection method: clinical testing. Allele origin: germline. Affected: yes. Study: VKGL Data-share Consensus. Not counted in ClinVar's aggregate classification.

Central Laboratory, Shanxi Provincial Cancer Hospital
Classification: Likely pathogenic for Azoospermia. Last evaluated: 2026-05-07. Review status: flagged submission. Criteria: ACMG Guidelines, 2015. Collection method: research. Allele origin: germline. Inheritance: Autosomal dominant inheritance. Affected: yes and no. Observed: 23 variant alleles, 23 heterozygotes. Not counted in ClinVar's aggregate classification.
Comment: This variant (STK11 c.1062C>G, p.F354L) was identified in 16 of 192 patients with azoospermia or severe oligozoospermia, and in 7 of 199 healthy fertile controls (p=0.043). In vitro functional studies using TCAM-2 cells demonstrated that the F354L mutation significantly reduces AMPK phosphorylation, alters EMT markers (decreased E-cadherin, increased Vimentin), and disrupts cellular polarity via Golgi reorientation assays. These findings suggest that the F354L variant impairs spermatogenesis and is associated with male spermatogenic dysfunction.
ClinVar note: Reason: Outlier claim with insufficient supporting evidence

Pathway Genomics
Classification: Uncertain significance for Peutz-Jeghers syndrome. Last evaluated: 2014-07-24. Review status: flagged submission. Collection method: clinical testing. Allele origin: germline. Not counted in ClinVar's aggregate classification.
ClinVar note: Reason: Older and outlier claim with insufficient supporting evidence

OMIM
Classification: Uncertain significance for RECLASSIFIED - VARIANT OF UNKNOWN SIGNIFICANCE. Last evaluated: 2005-05-15. Review status: flagged submission. Collection method: literature only. Allele origin: germline. Not counted in ClinVar's aggregate classification.
ClinVar note: Reason: Older and outlier claim with insufficient supporting evidence

Foundation Medicine, Inc.
Classification: Uncertain significance. Review status: flagged submission. Collection method: clinical testing. Allele origin: unknown. Not counted in ClinVar's aggregate classification.
ClinVar note: Reason: Outlier claim with insufficient supporting evidence

Literature cited by the submitters: PubMed 20393878 (cited by Counsyl); PubMed 24728327 (cited by ITMI); Hamosh, A. Personal Communication. 2020. Baltimore, Md. (cited by OMIM); PubMed 15800014 (cited by OMIM).